The following is an entry in ClinVar:

NM_000093.5(COL5A1):c.2068C>G (p.Pro690Ala)

Gene: COL5A1 (collagen type V alpha 1 chain; plus strand). Cytogenetic location: 9q34.3.
Variant type: single nucleotide variant.
Coding change: c.2068C>G on transcript NM_000093.5 (MANE Select); coding-DNA position 2068, C replaced by G.
Protein change: p.Pro690Ala; replaces proline 690 with alanine.
Molecular consequence: missense variant.
Genome position (GRCh38, 1-based): chr9:134,765,714, C>G. VCF-style: chr9-134765714-C-G. GRCh37 (hg19) VCF-style: chr9-137657560-C-G.
Other names: c.2068C>G, p.Pro690Ala (NM_001278074.1); short protein forms P690A.
Identifiers: ClinVar variation 2842929 (VCV002842929.3), dbSNP rs2490660073, ClinGen allele CA375447104.

ClinVar aggregate classification (germline): Uncertain significance (1 of 4 stars; one submission).

Conditions:
Ehlers-Danlos syndrome, classic type, 1 (EDSCL1). Also called: EHLERS-DANLOS SYNDROME, GRAVIS TYPE; EHLERS-DANLOS SYNDROME, SEVERE CLASSIC TYPE; Ehlers-Danlos syndrome, type 1; Ehlers-Danlos Syndrome, Classic Type, COL5A1-Related; EDS I. Identifiers: MedGen C0268335, MONDO:0019567, OMIM 130000.

Submission:

Labcorp Genetics (formerly Invitae), Labcorp
Classification: Uncertain significance for Ehlers-Danlos syndrome, classic type, 1. Last evaluated: 2023-03-06. Review status: criteria provided, single submitter. Criteria: Invitae Variant Classification Sherloc (09022015). Collection method: clinical testing. Allele origin: germline.
Comment: This variant is not present in population databases (gnomAD no frequency). In summary, the available evidence is currently insufficient to determine the role of this variant in disease. Therefore, it has been classified as a Variant of Uncertain Significance. Advanced modeling of protein sequence and biophysical properties (such as structural, functional, and spatial information, amino acid conservation, physicochemical variation, residue mobility, and thermodynamic stability) performed at Invitae indicates that this missense variant is not expected to disrupt COL5A1 protein function. This variant has not been reported in the literature in individuals affected with COL5A1-related conditions. This sequence change replaces proline, which is neutral and non-polar, with alanine, which is neutral and non-polar, at codon 690 of the COL5A1 protein (p.Pro690Ala).